The following is an entry in ClinVar:

NM_000487.6(ARSA):c.1472G>A (p.Cys491Tyr)

Gene: ARSA (arylsulfatase A; minus strand). Cytogenetic location: 22q13.33.
Variant type: single nucleotide variant.
Coding change: c.1472G>A on transcript NM_000487.6 (MANE Select); coding-DNA position 1472, G replaced by A.
Protein change: p.Cys491Tyr; replaces cysteine 491 with tyrosine.
Molecular consequence: missense variant.
Genome position (GRCh38, 1-based): chr22:50,625,203, C>T on the plus strand (G>A on the coding strand, the complement: ARSA is on the minus strand). VCF-style: chr22-50625203-C-T. GRCh37 (hg19) VCF-style: chr22-51063631-C-T.
Other names: c.1472G>A, p.Cys491Tyr (NM_001085425.3, NM_001085426.3, NM_001085427.3); c.1214G>A, p.Cys405Tyr (NM_001085428.3, NM_001362782.2); short protein forms C491Y, C405Y.
Identifiers: ClinVar variation 417892 (VCV000417892.8), dbSNP rs1060499585, ClinGen allele CA16616942.

ClinVar aggregate classification (germline): Uncertain significance. Review status: criteria provided, single submitter (1 of 4 stars). 2 submissions from 2 submitters: Uncertain significance (1). 1 of the submissions does not count toward it. Last evaluated 2021-12-02.

Conditions:
Metachromatic leukodystrophy (MLD). Also called: Cerebral sclerosis diffuse metachromatic form; Arylsulfatase A Deficiency; ARSA DEFICIENCY; CEREBROSIDE SULFATASE DEFICIENCY; METACHROMATIC LEUKOENCEPHALOPATHY; SULFATIDE LIPIDOSIS. Identifiers: Orphanet 512, MedGen C0023522, MONDO:0018868, OMIM 250100.

Submissions (2):

Labcorp Genetics (formerly Invitae), Labcorp
Classification: Uncertain significance for Metachromatic leukodystrophy. Last evaluated: 2021-12-02. Review status: criteria provided, single submitter. Criteria: Invitae Variant Classification Sherloc (09022015). Collection method: clinical testing. Allele origin: germline.
Comment: In summary, the available evidence is currently insufficient to determine the role of this variant in disease. Therefore, it has been classified as a Variant of Uncertain Significance. ClinVar contains an entry for this variant (Variation ID: 417892). Advanced modeling of protein sequence and biophysical properties (such as structural, functional, and spatial information, amino acid conservation, physicochemical variation, residue mobility, and thermodynamic stability) performed at Invitae indicates that this missense variant is expected to disrupt ARSA protein function. This variant has not been reported in the literature in individuals affected with ARSA-related conditions. This variant is not present in population databases (gnomAD no frequency). This sequence change replaces cysteine, which is neutral and slightly polar, with tyrosine, which is neutral and polar, at codon 491 of the ARSA protein (p.Cys491Tyr).

Division of Human Genetics, Children's Hospital of Philadelphia
Classification: Uncertain significance for Metachromatic leukodystrophy. Last evaluated: 2016-06-27. Review status: no assertion criteria provided. Collection method: research. Allele origin: maternal. Affected: yes. Study: CSER-PediSeq. Not counted in ClinVar's aggregate classification.

Literature cited by the submitters: PubMed 6122378 (cited by Division of Human Genetics, Children's Hospital of Philadelphia); PubMed 25987178 (cited by Division of Human Genetics, Children's Hospital of Philadelphia); PubMed 15026521 (cited by Division of Human Genetics, Children's Hospital of Philadelphia); PubMed 12809637 (cited by Division of Human Genetics, Children's Hospital of Philadelphia).